The following is an entry in ClinVar:

NM_033056.4(PCDH15):c.4850A>G (p.Asn1617Ser)

Gene: PCDH15 (protocadherin related 15; minus strand). Cytogenetic location: 10q21.1.
Variant type: single nucleotide variant.
Coding change: c.4850A>G on transcript NM_033056.4 (MANE Plus Clinical); coding-DNA position 4850, A replaced by G.
Protein change: p.Asn1617Ser; replaces asparagine 1617 with serine.
Molecular consequence: missense variant. On other transcripts: intron variant (8).
Genome position (GRCh38, 1-based): chr10:53,822,876, T>C on the plus strand (A>G on the coding strand, the complement: PCDH15 is on the minus strand). VCF-style: chr10-53822876-T-C. GRCh37 (hg19) VCF-style: chr10-55582636-T-C.
Other names: c.4373+2260A>G (NM_001142772.2, NM_001142770.3); c.4388+2260A>G (NM_001142771.2); c.4388+4517A>G (NM_001354411.2); c.4409+2260A>G (NM_001142769.3); c.4367+4517A>G (NM_001354420.2, NM_001354429.2); c.4368-2646A>G (NM_001384140.1); c.4871A>G, p.Asn1624Ser (NM_001142763.2); c.4856A>G, p.Asn1619Ser (NM_001142764.2); and 6 more; short protein forms N1617S, N1624S, N1577S, N1597S, N1548S, N1595S, N1594S, N1614S.
Identifiers: ClinVar variation 46484 (VCV000046484.61), dbSNP rs111033362, ClinGen allele CA138442.

ClinVar aggregate classification (germline): Benign/Likely benign. Review status: criteria provided, multiple submitters, no conflicts (2 of 4 stars). 14 submissions from 14 submitters: Benign (7); Likely benign (6). 1 of the submissions does not count toward it. Last evaluated 2026-10-01.

Conditions:
Autosomal recessive nonsyndromic hearing loss 23. Identifiers: Orphanet 90636, MedGen C1836027, MONDO:0012293, OMIM 609533.
Usher syndrome type 1D (USH1D). Also called: USHER SYNDROME, TYPE ID. Identifiers: Orphanet 231169, Orphanet 886, MedGen C1832845, MONDO:0010984, OMIM 601067.
Usher syndrome type 1F (USH1F). Also called: USHER SYNDROME, TYPE IF. Identifiers: Orphanet 231169, Orphanet 886, MedGen C1865885, MONDO:0011186, OMIM 602083.
Usher syndrome type 1 (USH1). Also called: RETINITIS PIGMENTOSA AND CONGENITAL DEAFNESS. Identifiers: Orphanet 231169, Orphanet 886, MedGen C1568247, MONDO:0010168, OMIM 276900.

Allele frequency attached by ClinVar (database versions not stated): 1000 Genomes Project 0.00240; gnomAD 0.00631 and 0.00614; gnomAD exomes 0.00924 and 0.00541; ESP Exome Variant Server 0.00730; 1000 Genomes Project 30x 0.00219; ExAC 0.00526; TOPMed 0.00630.
gnomAD v4.1: 14,385 of 1,614,112 alleles (0.89%); highest among the groups gnomAD compares: Non-Finnish European, 1.1%; 81 homozygotes.

Submissions (14):

CeGaT Center for Human Genetics Tuebingen
Classification: Benign. Last evaluated: 2026-10-01. Review status: criteria provided, single submitter. Criteria: CeGaT Center For Human Genetics Tuebingen Variant Classification Criteria Version 2. Collection method: clinical testing. Allele origin: germline. Affected: yes. Observed: 12 variant alleles.
Comment: PCDH15: BP4, BS1, BS2

Labcorp Genetics (formerly Invitae), Labcorp
Classification: Benign. Last evaluated: 2026-02-02. Review status: criteria provided, single submitter. Criteria: Invitae Variant Classification Sherloc (09022015). Collection method: clinical testing. Allele origin: germline.

Blueprint Genetics
Classification: Likely benign. Last evaluated: 2024-11-22. Review status: criteria provided, single submitter. Criteria: ACMG Guidelines, 2015. Collection method: clinical testing. Allele origin: germline.

Fulgent Genetics
Classification: Likely benign for Usher syndrome type 1D; Usher syndrome type 1F; Autosomal recessive nonsyndromic hearing loss 23. Last evaluated: 2021-11-10. Review status: criteria provided, single submitter. Criteria: ACMG Guidelines, 2015. Collection method: clinical testing. Allele origin: unknown.

Genome-Nilou Lab
Classification: Benign for Usher syndrome type 1F. Last evaluated: 2021-05-18. Review status: criteria provided, single submitter. Criteria: ACMG Guidelines, 2015. Collection method: clinical testing. Allele origin: germline. Affected: no.

Illumina Laboratory Services, Illumina
Classification: Likely benign for Usher syndrome type 1. Last evaluated: 2018-01-13. Review status: criteria provided, single submitter. Criteria: ICSL Variant Classification Criteria 13 December 2019. Collection method: clinical testing. Allele origin: germline.
Comment: This variant was observed in the ICSL laboratory as part of a predisposition screen in an ostensibly healthy population. It had not been previously curated by ICSL or reported in the Human Gene Mutation Database (HGMD: prior to June 1st, 2018), and was therefore a candidate for classification through an automated scoring system. Utilizing variant allele frequency, disease prevalence and penetrance estimates, and inheritance mode, an automated score was calculated to assess if this variant is too frequent to cause the disease. Based on the score and internal cut-off values, a variant classified as likely benign is not then subjected to further curation. The score for this variant resulted in a classification of likely benign for this disease.

Center for Pediatric Genomic Medicine, Children's Mercy Hospital and Clinics
Classification: Likely benign. Last evaluated: 2017-06-15. Review status: criteria provided, single submitter. Criteria: ACMG Guidelines, 2015. Collection method: clinical testing. Allele origin: germline.

Genomic Diagnostic Laboratory, Division of Genomic Diagnostics, Children's Hospital of Philadelphia
Classification: Likely benign. Last evaluated: 2015-10-31. Review status: criteria provided, single submitter. Criteria: DGD Variant Analysis Guidelines. Collection method: clinical testing. Allele origin: unknown.

GeneDx
Classification: Benign. Last evaluated: 2015-03-03. Review status: criteria provided, single submitter. Criteria: GeneDx Variant Classification Process June 2021. Collection method: clinical testing. Allele origin: germline. Affected: yes.

Eurofins Ntd Llc (ga)
Classification: Benign. Last evaluated: 2013-10-21. Review status: criteria provided, single submitter. Criteria: EGL Classification Definitions 2015. Collection method: clinical testing. Allele origin: germline. Observed: 1 variant allele, 1 heterozygote.

Laboratory for Molecular Medicine, Mass General Brigham Personalized Medicine
Classification: Benign. Last evaluated: 2011-09-02. Review status: criteria provided, single submitter. Criteria: LMM Criteria. Collection method: clinical testing. Allele origin: germline. Observed: 31 variant alleles.
Comment: Asn1617Ser in exon 33 of PCDH15: This variant is not expected to have clinical s ignificance because it has been identified in 0.7%(32/4548)of control chromosome s. In addition, computational analyses (PolyPhen2, SIFT, AlignGVGD) do not sugge st a high likelihood of impact to the protein primarily based upon a lack of con servation across species including mammals. Of note, mouse, rat, chick, platypus and lizard has a serine at this position.

Breakthrough Genomics
Classification: Likely benign. Review status: criteria provided, single submitter. Criteria: ACMG Guidelines, 2015. Collection method: not provided. Allele origin: germline. Inheritance: Autosomal recessive inheritance. Affected: yes.

PreventionGenetics, part of Exact Sciences
Classification: Benign. Review status: criteria provided, single submitter. Criteria: ACMG Guidelines, 2015. Collection method: clinical testing. Allele origin: germline.

Natera, Inc.
Classification: Benign for Usher syndrome type 1F. Last evaluated: 2019-10-18. Review status: no assertion criteria provided. Collection method: clinical testing. Allele origin: germline. Not counted in ClinVar's aggregate classification.